The following is an entry in ClinVar:

ClinVar aggregate classification (germline): Uncertain significance. Review status: criteria provided, multiple submitters, no conflicts (2 of 4 stars). 3 submissions from 3 submitters: Uncertain significance (3). Last evaluated 2024-03-28.

Conditions:
Hereditary nonpolyposis colorectal neoplasms. Identifiers: MedGen C0009405, MeSH D003123.
Hereditary cancer-predisposing syndrome. Also called: Tumor predisposition; Neoplastic Syndromes, Hereditary; Hereditary neoplastic syndrome; Hereditary Cancer Syndrome. Identifiers: Orphanet 140162, MedGen C0027672, MeSH D009386, MONDO:0015356.

Submissions (3):

Labcorp Genetics (formerly Invitae), Labcorp
Classification: Uncertain significance for Hereditary nonpolyposis colorectal neoplasms. Last evaluated: 2024-03-28. Review status: criteria provided, single submitter. Criteria: Invitae Variant Classification Sherloc (09022015). Collection method: clinical testing. Allele origin: germline.
Comment: This sequence change replaces serine, which is neutral and polar, with isoleucine, which is neutral and non-polar, at codon 51 of the MSH6 protein (p.Ser51Ile). This variant is not present in population databases (gnomAD no frequency). This variant has not been reported in the literature in individuals affected with MSH6-related conditions. ClinVar contains an entry for this variant (Variation ID: 631192). Advanced modeling of protein sequence and biophysical properties (such as structural, functional, and spatial information, amino acid conservation, physicochemical variation, residue mobility, and thermodynamic stability) performed at Invitae indicates that this missense variant is not expected to disrupt MSH6 protein function with a negative predictive value of 95%. In summary, the available evidence is currently insufficient to determine the role of this variant in disease. Therefore, it has been classified as a Variant of Uncertain Significance.

Color Diagnostics, LLC DBA Color Health
Classification: Uncertain significance for Hereditary cancer-predisposing syndrome. Last evaluated: 2023-12-05. Review status: criteria provided, single submitter. Criteria: ACMG Guidelines, 2015. Collection method: clinical testing. Allele origin: germline.
Comment: This missense variant replaces serine with isoleucine at codon 51 of the MSH6 protein. Computational prediction suggests that this variant may not impact protein structure and function (internally defined REVEL score threshold <= 0.5, PMID: 27666373). To our knowledge, functional studies have not been reported for this variant. This variant has not been reported in individuals affected with MSH6-related disorders in the literature. This variant has not been identified in the general population by the Genome Aggregation Database (gnomAD). The available evidence is insufficient to determine the role of this variant in disease conclusively. Therefore, this variant is classified as a Variant of Uncertain Significance.

Ambry Genetics
Classification: Uncertain significance for Hereditary cancer-predisposing syndrome. Last evaluated: 2023-11-05. Review status: criteria provided, single submitter. Criteria: Ambry Variant Classification Scheme 2023. Collection method: clinical testing. Allele origin: germline.
Comment: The p.S51I variant (also known as c.152G>T), located in coding exon 1 of the MSH6 gene, results from a G to T substitution at nucleotide position 152. The serine at codon 51 is replaced by isoleucine, an amino acid with dissimilar properties. This amino acid position is not well conserved in available vertebrate species. In addition, the in silico prediction for this alteration is inconclusive. Since supporting evidence is limited at this time, the clinical significance of this alteration remains unclear.

NM_000179.3(MSH6):c.152G>T (p.Ser51Ile)

Gene: MSH6 (mutS homolog 6; plus strand). Cytogenetic location: 2p16.3.
Variant type: single nucleotide variant.
Coding change: c.152G>T on transcript NM_000179.3 (MANE Select); coding-DNA position 152, G replaced by T.
Protein change: p.Ser51Ile; replaces serine 51 with isoleucine.
Molecular consequence: missense variant. On other transcripts: 5 prime UTR variant (1).
Genome position (GRCh38, 1-based): chr2:47,783,385, G>T. VCF-style: chr2-47783385-G-T. GRCh37 (hg19) VCF-style: chr2-48010524-G-T.
Other names: c.152G>T, p.Ser51Ile (NM_001281492.2); c.-585G>T (NM_001281493.2); short protein forms S51I.
Identifiers: ClinVar variation 631192 (VCV000631192.18), dbSNP rs1284504549, ClinGen allele CA346734944.
Genomic context (GRCh38, chr2:47,783,385, plus strand): 5'-GCGGCCGTGCCGCCGCTGCCCCCGGGGCCTCTCCTTCCCCAGGCGGGGATGCGGCCTGGA[G>T]CGAGGCTGGGCCTGGGCCCAGGCCCTTGGCGCGCTCCGCGTCACCGCCCAAGGCGAAGAA-3'
Protein context (NP_000170.1, residues 41-61): SPSPGGDAAW[Ser51Ile]EAGPGPRPLA